The following is an entry in ClinVar:

NM_002223.4(ITPR2):c.4453A>T (p.Asn1485Tyr)

Gene: ITPR2 (inositol 1,4,5-trisphosphate receptor type 2; minus strand). Cytogenetic location: 12p11.23.
Variant type: single nucleotide variant.
Coding change: c.4453A>T on transcript NM_002223.4 (MANE Select); coding-DNA position 4453, A replaced by T.
Protein change: p.Asn1485Tyr; replaces asparagine 1485 with tyrosine.
Molecular consequence: missense variant.
Genome position (GRCh38, 1-based): chr12:26,580,083, T>A on the plus strand (A>T on the coding strand, the complement: ITPR2 is on the minus strand). VCF-style: chr12-26580083-T-A. GRCh37 (hg19) VCF-style: chr12-26733016-T-A.
Other names: c.4453A>T (NM_002223.2); short protein forms N1485Y.
Identifiers: ClinVar variation 727162 (VCV000727162.6), dbSNP rs200346963, ClinGen allele CA6489018.

ClinVar aggregate classification (germline): Conflicting classifications of pathogenicity. Review status: criteria provided, conflicting classifications (1 of 4 stars). 3 submissions from 3 submitters: Uncertain significance (1); Benign (1). 1 of the submissions does not count toward it. Last evaluated 2025-08-03.

Conditions:
ITPR2-related disorder. Also called: ITPR2-related condition.

Allele frequency attached by ClinVar (database versions not stated): gnomAD 0.00013 and 0.00014; 1000 Genomes Project 0.00020; gnomAD exomes 0.00021 and 0.00112; 1000 Genomes Project 30x 0.00031; TOPMed 0.00054; ExAC 0.00100.
gnomAD v4.1: 316 of 1,611,630 alleles (0.02%); highest among the groups gnomAD compares: Admixed American, 0.52%; 1 homozygote.

Submissions (3):

Ambry Genetics
Classification: Uncertain significance. Last evaluated: 2025-08-03. Review status: criteria provided, single submitter. Criteria: Ambry Variant Classification Scheme 2023. Collection method: clinical testing. Allele origin: germline.

Labcorp Genetics (formerly Invitae), Labcorp
Classification: Benign. Last evaluated: 2018-01-22. Review status: criteria provided, single submitter. Criteria: Invitae Variant Classification Sherloc (09022015). Collection method: clinical testing. Allele origin: germline.

PreventionGenetics, part of Exact Sciences
Classification: Benign for ITPR2-related condition. Last evaluated: 2019-12-03. Review status: no assertion criteria provided. Collection method: clinical testing. Allele origin: germline. Not counted in ClinVar's aggregate classification.
Comment: This variant is classified as benign based on ACMG/AMP sequence variant interpretation guidelines (Richards et al. 2015 PMID: 25741868, with internal and published modifications).